The following is an entry in ClinVar:

ClinVar aggregate classification (germline): Uncertain significance (1 of 4 stars; one submission).

Allele frequency attached by ClinVar (database versions not stated): gnomAD exomes below 0.00001 and 0.00001; ExAC 0.00001.
gnomAD v4.1: 7 of 1,614,236 alleles (0.00043%); highest among the groups gnomAD compares: African/African-American, 0.0013%; no homozygotes.

Submission:

Labcorp Genetics (formerly Invitae), Labcorp
Classification: Uncertain significance. Last evaluated: 2022-10-08. Review status: criteria provided, single submitter. Criteria: Invitae Variant Classification Sherloc (09022015). Collection method: clinical testing. Allele origin: germline.
Comment: ClinVar contains an entry for this variant (Variation ID: 1016737). In summary, the available evidence is currently insufficient to determine the role of this variant in disease. Therefore, it has been classified as a Variant of Uncertain Significance. Advanced modeling of protein sequence and biophysical properties (such as structural, functional, and spatial information, amino acid conservation, physicochemical variation, residue mobility, and thermodynamic stability) performed at Invitae indicates that this missense variant is expected to disrupt ACO2 protein function. This variant has not been reported in the literature in individuals affected with ACO2-related conditions. This variant is present in population databases (rs769544199, gnomAD 0.007%). This sequence change replaces arginine, which is basic and polar, with cysteine, which is neutral and slightly polar, at codon 395 of the ACO2 protein (p.Arg395Cys).

NM_001098.3(ACO2):c.1183C>T (p.Arg395Cys)

Gene: ACO2 (aconitase 2; plus strand). Cytogenetic location: 22q13.2.
Variant type: single nucleotide variant.
Coding change: c.1183C>T on transcript NM_001098.3 (MANE Select); coding-DNA position 1183, C replaced by T.
Protein change: p.Arg395Cys; replaces arginine 395 with cysteine.
Molecular consequence: missense variant.
Genome position (GRCh38, 1-based): chr22:41,522,874, C>T. VCF-style: chr22-41522874-C-T. GRCh37 (hg19) VCF-style: chr22-41918878-C-T.
Other names: short protein forms R395C.
Identifiers: ClinVar variation 1016737 (VCV001016737.10), dbSNP rs769544199, ClinGen allele CA10257579.